The following is an entry in ClinVar:

ClinVar aggregate classification (germline): Likely pathogenic (1 of 4 stars; one submission).

Submission:

Labcorp Genetics (formerly Invitae), Labcorp
Classification: Likely pathogenic. Last evaluated: 2022-12-09. Review status: criteria provided, single submitter. Criteria: Invitae Variant Classification Sherloc (09022015). Collection method: clinical testing. Allele origin: germline.
Comment: In summary, the currently available evidence indicates that the variant is pathogenic, but additional data are needed to prove that conclusively. Therefore, this variant has been classified as Likely Pathogenic. Algorithms developed to predict the effect of sequence changes on RNA splicing suggest that this variant may disrupt the consensus splice site. This variant has not been reported in the literature in individuals affected with LRPPRC-related conditions. This variant is not present in population databases (gnomAD no frequency). This sequence change affects an acceptor splice site in intron 16 of the LRPPRC gene. It is expected to disrupt RNA splicing. Variants that disrupt the donor or acceptor splice site typically lead to a loss of protein function (PMID: 16199547), and loss-of-function variants in LRPPRC are known to be pathogenic (PMID: 26510951).

Literature cited by the submitters: PubMed 16199547; PubMed 26510951.

NM_133259.4(LRPPRC):c.1736-2A>G

Gene: LRPPRC (leucine rich pentatricopeptide repeat containing; minus strand). Cytogenetic location: 2p21.
Variant type: single nucleotide variant.
Coding change: c.1736-2A>G on transcript NM_133259.4 (MANE Select); the canonical splice acceptor site of the intron before coding-DNA position 1736, A replaced by G.
Molecular consequence: splice acceptor variant.
Genome position (GRCh38, 1-based): chr2:43,948,520, T>C on the plus strand (A>G on the coding strand, the complement: LRPPRC is on the minus strand). VCF-style: chr2-43948520-T-C. GRCh37 (hg19) VCF-style: chr2-44175659-T-C.
Identifiers: ClinVar variation 2817213 (VCV002817213.4), dbSNP rs2466575847, ClinGen allele CA346676733.